The following is an entry in ClinVar:

NM_001242896.3(DEPDC5):c.1921G>A (p.Ala641Thr)

Gene: DEPDC5 (DEP domain containing 5, GATOR1 subcomplex subunit; plus strand). Cytogenetic location: 22q12.3.
Variant type: single nucleotide variant.
Coding change: c.1921G>A on transcript NM_001242896.3 (MANE Select); coding-DNA position 1921, G replaced by A.
Protein change: p.Ala641Thr; replaces alanine 641 with threonine.
Molecular consequence: missense variant. On other transcripts: non-coding transcript variant (4), intron variant (3).
Genome position (GRCh38, 1-based): chr22:31,821,552, G>A. VCF-style: chr22-31821552-G-A. GRCh37 (hg19) VCF-style: chr22-32217538-G-A.
Other names: c.1921G>A, p.Ala641Thr (NM_001136029.4, NM_001363852.2, NM_001364318.2 and 3 more transcripts); c.1837G>A, p.Ala613Thr (NM_001369901.1, NM_001369902.1); c.1870+2327G>A (NM_001363854.2, NM_001242897.2, NM_001364319.2); short protein forms A613T, A641T.
Identifiers: ClinVar variation 2147252 (VCV002147252.4), dbSNP rs2519446765, ClinGen allele CA411281885.

ClinVar aggregate classification (germline): Uncertain significance (1 of 4 stars; one submission).

Conditions:
Familial focal epilepsy with variable foci (FPEVF). Identifiers: Orphanet 98820, MedGen C1858477, MONDO:0020310.

Submission:

Labcorp Genetics (formerly Invitae), Labcorp
Classification: Uncertain significance for Familial focal epilepsy with variable foci. Last evaluated: 2024-04-16. Review status: criteria provided, single submitter. Criteria: Invitae Variant Classification Sherloc (09022015). Collection method: clinical testing. Allele origin: germline.
Comment: This sequence change replaces alanine, which is neutral and non-polar, with threonine, which is neutral and polar, at codon 641 of the DEPDC5 protein (p.Ala641Thr). This variant is not present in population databases (gnomAD no frequency). This variant has not been reported in the literature in individuals affected with DEPDC5-related conditions. ClinVar contains an entry for this variant (Variation ID: 2147252). Experimental studies and prediction algorithms are not available or were not evaluated, and the functional significance of this variant is currently unknown. In summary, the available evidence is currently insufficient to determine the role of this variant in disease. Therefore, it has been classified as a Variant of Uncertain Significance.